The following is an entry in ClinVar:

NM_003661.4(APOL1):c.157G>A (p.Gly53Ser)

Gene: APOL1 (apolipoprotein L1; plus strand). Cytogenetic location: 22q12.3.
Variant type: single nucleotide variant.
Coding change: c.157G>A on transcript NM_003661.4 (MANE Select); coding-DNA position 157, G replaced by A.
Protein change: p.Gly53Ser; replaces glycine 53 with serine.
Molecular consequence: missense variant.
Genome position (GRCh38, 1-based): chr22:36,257,377, G>A. VCF-style: chr22-36257377-G-A. GRCh37 (hg19) VCF-style: chr22-36653423-G-A.
Other names: c.157G>A, p.Gly53Ser (NM_001136540.2); c.103G>A, p.Gly35Ser (NM_001136541.2, NM_001362927.2); c.205G>A, p.Gly69Ser (NM_145343.3); short protein forms G69S, G35S, G53S.
Identifiers: ClinVar variation 2172185 (VCV002172185.4), dbSNP rs766338763, ClinGen allele CA10208537.
Genomic context (GRCh38, chr22:36,257,377, plus strand): 5'-AGGGTGCAACAAAACGTTCCAAGTGGGACAGATACTGGAGATCCTCAAAGTAAGCCCCTC[G>A]GTGACTGGGCTGCTGGCACCATGGACCCAGGTAGGCTCACCTCCTCTTCCCTGCTGGTTC-3'
Protein context (NP_003652.2, residues 43-63): DTGDPQSKPL[Gly53Ser]DWAAGTMDPE

ClinVar aggregate classification (germline): Uncertain significance (1 of 4 stars; one submission).

Allele frequency attached by ClinVar (database versions not stated): ExAC 0.00001; gnomAD exomes 0.00003; TOPMed 0.00003.
gnomAD v4.1: 37 of 1,614,146 alleles (0.0023%); highest among the groups gnomAD compares: Admixed American, 0.013%; no homozygotes.

Submission:

Labcorp Genetics (formerly Invitae), Labcorp
Classification: Uncertain significance. Last evaluated: 2022-06-17. Review status: criteria provided, single submitter. Criteria: Invitae Variant Classification Sherloc (09022015). Collection method: clinical testing. Allele origin: germline.
Comment: This sequence change replaces glycine, which is neutral and non-polar, with serine, which is neutral and polar, at codon 53 of the APOL1 protein (p.Gly53Ser). This variant is present in population databases (rs766338763, gnomAD 0.02%). This variant has not been reported in the literature in individuals affected with APOL1-related conditions. Algorithms developed to predict the effect of missense changes on protein structure and function output the following: SIFT: "Tolerated"; PolyPhen-2: "Probably Damaging"; Align-GVGD: "Class C0". The serine amino acid residue is found in multiple mammalian species, which suggests that this missense change does not adversely affect protein function. In summary, the available evidence is currently insufficient to determine the role of this variant in disease. Therefore, it has been classified as a Variant of Uncertain Significance.